The following is an entry in ClinVar:

NM_014239.4(EIF2B2):c.922G>A (p.Val308Met)

Gene: EIF2B2 (eukaryotic translation initiation factor 2B subunit beta; plus strand). Cytogenetic location: 14q24.3.
Variant type: single nucleotide variant.
Coding change: c.922G>A on transcript NM_014239.4 (MANE Select); coding-DNA position 922, G replaced by A.
Protein change: p.Val308Met; replaces valine 308 with methionine.
Molecular consequence: missense variant.
Genome position (GRCh38, 1-based): chr14:75,009,054, G>A. VCF-style: chr14-75009054-G-A. GRCh37 (hg19) VCF-style: chr14-75475757-G-A.
Other names: short protein forms V308M.
Identifiers: ClinVar variation 522641 (VCV000522641.36), dbSNP rs372548739, ClinGen allele CA7275111.

ClinVar aggregate classification (germline): Pathogenic/Likely pathogenic. Review status: criteria provided, multiple submitters, no conflicts (2 of 4 stars). 9 submissions from 9 submitters: Pathogenic (5); Likely pathogenic (3). 1 of the submissions does not count toward it. Last evaluated 2024-06-22.

Conditions:
Leukoencephalopathy with vanishing white matter 2 (VWM2). Also called: Leukoencephalopathy with vanishing white matter 2, with or without ovarian failure; EIF2B2-Related Childhood Ataxia with Central Nervous System Hypomyelination/Vanishing White Matter. Identifiers: MedGen C5830404, MONDO:0957870, OMIM 620312.
EIF2B2-related disorder. Also called: EIF2B2-related condition.
Vanishing white matter disease. Also called: CACH syndrome; Childhood ataxia with diffuse central nervous system hypomyelination; Leukoencephalopathy with vanishing white matter; CACH/VWM syndrome; Cree leukoencehalopathy. Identifiers: Orphanet 135, Orphanet 99853, MedGen C1858991, MONDO:0800448.
Abnormality of the nervous system. Also called: Congenital nervous system disorder. Identifiers: MedGen C0497552, MONDO:0002320, HP:0000707.

Allele frequency attached by ClinVar (database versions not stated): ExAC 0.00001; gnomAD exomes 0.00001.
gnomAD v4.1: 37 of 1,614,070 alleles (0.0023%); highest among the groups gnomAD compares: Non-Finnish European, 0.0028%; no homozygotes.

Submissions (9):

Fulgent Genetics
Classification: Pathogenic for Leukoencephalopathy with vanishing white matter 2. Last evaluated: 2024-06-22. Review status: criteria provided, single submitter. Criteria: ACMG Guidelines, 2015. Collection method: clinical testing. Allele origin: germline.

Labcorp Genetics (formerly Invitae), Labcorp
Classification: Likely pathogenic. Last evaluated: 2024-03-20. Review status: criteria provided, single submitter. Criteria: Invitae Variant Classification Sherloc (09022015). Collection method: clinical testing. Allele origin: germline.
Comment: This sequence change replaces valine, which is neutral and non-polar, with methionine, which is neutral and non-polar, at codon 308 of the EIF2B2 protein (p.Val308Met). This variant is present in population databases (rs372548739, gnomAD 0.002%). This missense change has been observed in individual(s) with leukoencephalopathy with vanishing white matter (PMID: 21307862, 33432707, 34745209, 35897042). In at least one individual the data is consistent with being in trans (on the opposite chromosome) from a pathogenic variant. ClinVar contains an entry for this variant (Variation ID: 522641). Advanced modeling of protein sequence and biophysical properties (such as structural, functional, and spatial information, amino acid conservation, physicochemical variation, residue mobility, and thermodynamic stability) performed at Invitae indicates that this missense variant is not expected to disrupt EIF2B2 protein function with a negative predictive value of 80%. In summary, the currently available evidence indicates that the variant is pathogenic, but additional data are needed to prove that conclusively. Therefore, this variant has been classified as Likely Pathogenic.

GeneDx
Classification: Likely pathogenic. Last evaluated: 2023-04-06. Review status: criteria provided, single submitter. Criteria: GeneDx Variant Classification Process June 2021. Collection method: clinical testing. Allele origin: germline. Affected: yes.
Comment: Reported previously, along with a second variant, in individuals with infantile and juvenile-onset leukoencephalopathy with vanishing white matter (Leng et al., 2011; Zhang et al., 2015); Not observed at a significant frequency in large population cohorts (gnomAD); In silico analysis supports that this missense variant does not alter protein structure/function; This variant is associated with the following publications: (PMID: 25761052, 21307862, 32962729, 35897042, 34745209)

Women's Health and Genetics/Laboratory Corporation of America, LabCorp
Classification: Pathogenic for Vanishing white matter disease. Last evaluated: 2023-03-10. Review status: criteria provided, single submitter. Criteria: LabCorp Variant Classification Summary - May 2015. Collection method: clinical testing. Allele origin: germline.
Comment: Variant summary: EIF2B2 c.922G>A (p.Val308Met) results in a conservative amino acid change in the encoded protein sequence. Four of five in-silico tools predict a damaging effect of the variant on protein function. The variant allele was found at a frequency of 8e-06 in 251470 control chromosomes (gnomAD). c.922G>A has been reported in the literature as a biallelic genotype in multiple individuals affected with Leukoencephalopathy With Vanishing White Matter (e.g. Leng_2011, Zhang_2015, Slynko_2020, Deng_2021, Filareto_2022). These data indicate that the variant is very likely to be associated with disease. To our knowledge, no experimental evidence demonstrating an impact on protein function has been reported. Four submitters have provided clinical-significance assessments for this variant to ClinVar after 2014 and all classified the variant as pathogenic (n=2)/likely pathogenic (n=2). Based on the evidence outlined above, the variant was classified as pathogenic.

Baylor Genetics
Classification: Pathogenic for Leukoencephalopathy with vanishing white matter 1. Last evaluated: 2023-03-07. Review status: criteria provided, single submitter. Criteria: ACMG Guidelines, 2015. Collection method: clinical testing. Allele origin: unknown.

Kariminejad - Najmabadi Pathology & Genetics Center
Classification: Likely pathogenic for Abnormality of the nervous system. Last evaluated: 2021-07-10. Review status: criteria provided, single submitter. Criteria: ACMG Guidelines, 2015. Collection method: clinical testing. Allele origin: germline. Affected: yes.

Institute of Human Genetics Munich, TUM University Hospital
Classification: Pathogenic for Leukoencephalopathy with vanishing white matter 1. Last evaluated: 2019-10-04. Review status: criteria provided, single submitter. Criteria: Classification criteria August 2017. Collection method: clinical testing. Allele origin: germline. Inheritance: Autosomal recessive inheritance. Affected: yes. Observed: 1 compound heterozygote.

Genomic Research Center, Shahid Beheshti University of Medical Sciences
Classification: Pathogenic for Vanishing white matter disease. Last evaluated: 2017-12-03. Review status: criteria provided, single submitter. Criteria: ACMG Guidelines, 2015. Collection method: clinical testing. Allele origin: inherited. Affected: yes.

PreventionGenetics, part of Exact Sciences
Classification: Likely pathogenic for EIF2B2-related condition. Last evaluated: 2024-06-06. Review status: no assertion criteria provided. Collection method: clinical testing. Allele origin: germline. Not counted in ClinVar's aggregate classification.
Comment: The EIF2B2 c.922G>A variant is predicted to result in the amino acid substitution p.Val308Met. This variant has been reported in the compound heterozygous state in several individuals with vanishing white matter disease (VWMD) (Table 1, Leng et al. 2011. PubMed ID: 21307862; Table 1, Zhang et al. 2015. PubMed ID: 25761052). It has been reported in the homozygous state in an individual with VWMD (Filareto et al. 2022. PubMed ID: 35897042) and developmental and epileptic encephalopathy (Table 2, Agarwala et al. 2023. PubMed ID: 38074073). This variant is reported in 0.0018% of alleles in individuals of European (non-Finnish) descent in gnomAD. This variant is interpreted as likely pathogenic.

Literature cited by the submitters: PubMed 21307862 (cited by Labcorp Genetics (formerly Invitae), Labcorp and Women's Health and Genetics/Laboratory Corporation of America, LabCorp); PubMed 33432707 (cited by Labcorp Genetics (formerly Invitae), Labcorp and Women's Health and Genetics/Laboratory Corporation of America, LabCorp); PubMed 34745209 (cited by Labcorp Genetics (formerly Invitae), Labcorp and Women's Health and Genetics/Laboratory Corporation of America, LabCorp); PubMed 35897042 (cited by Labcorp Genetics (formerly Invitae), Labcorp and Women's Health and Genetics/Laboratory Corporation of America, LabCorp); PubMed 25761052 (cited by Women's Health and Genetics/Laboratory Corporation of America, LabCorp).